The following is an entry in ClinVar:

NM_022124.6(CDH23):c.2113G>C (p.Gly705Arg)

Gene: CDH23 (cadherin related 23; plus strand). Cytogenetic location: 10q22.1.
Variant type: single nucleotide variant.
Coding change: c.2113G>C on transcript NM_022124.6 (MANE Select); coding-DNA position 2113, G replaced by C.
Protein change: p.Gly705Arg; replaces glycine 705 with arginine.
Molecular consequence: missense variant.
Genome position (GRCh38, 1-based): chr10:71,690,521, G>C. VCF-style: chr10-71690521-G-C. GRCh37 (hg19) VCF-style: chr10-73450278-G-C.
Other names: c.2113G>C, p.Gly705Arg (NM_001171930.2, NM_001171931.2); short protein forms G705R.
Identifiers: ClinVar variation 3342717 (VCV003342717.1).
Genomic context (GRCh38, chr10:71,690,521, plus strand): 5'-CCTGAAGGAGCCACGGTGCTGTTCCTGAATGCCACAGACCTGGACCGCTCCCGGGAGTAC[G>C]GCCAGGAGTCCATCATCTACTCCTTGGAAGGCTCCACCCAGTTTCGGATCAATGCCCGCT-3'
Protein context (NP_071407.4, residues 695-715): ATDLDRSREY[Gly705Arg]QESIIYSLEG

ClinVar aggregate classification (germline): Uncertain significance (1 of 4 stars; one submission).

Submission:

GeneDx
Classification: Uncertain significance. Last evaluated: 2024-02-18. Review status: criteria provided, single submitter. Criteria: GeneDx Variant Classification Process June 2021. Collection method: clinical testing. Allele origin: germline. Affected: yes.
Comment: Reported with a second variant (phase unknown) in a patient with prelingual hearing loss in published literature (PMID: 35020051); Not observed at significant frequency in large population cohorts (gnomAD); In silico analysis supports that this missense variant does not alter protein structure/function; This variant is associated with the following publications: (PMID: 35020051)